The following is an entry in ClinVar:

ClinVar aggregate classification (germline): Benign (1 of 4 stars; one submission).

Conditions:
Familial isolated deficiency of vitamin E (AVED). Also called: ATAXIA, FRIEDREICH-LIKE, WITH SELECTIVE VITAMIN E DEFICIENCY; Ataxia with isolated vitamin E deficiency. Identifiers: Orphanet 96, MedGen C1848533, MONDO:0010188, OMIM 277460.

Allele frequency attached by ClinVar (database versions not stated): 1000 Genomes Project 30x 0.00578; 1000 Genomes Project 0.00619; gnomAD 0.00665 and 0.00716; TOPMed 0.00707.

Submission:

Illumina Laboratory Services, Illumina
Classification: Benign for Familial isolated deficiency of vitamin E. Last evaluated: 2018-01-13. Review status: criteria provided, single submitter. Criteria: ICSL Variant Classification Criteria 13 December 2019. Collection method: clinical testing. Allele origin: germline.
Comment: This variant was observed in the ICSL laboratory as part of a predisposition screen in an ostensibly healthy population. It had not been previously curated by ICSL or reported in the Human Gene Mutation Database (HGMD: prior to June 1st, 2018), and was therefore a candidate for classification through an automated scoring system. Utilizing variant allele frequency, disease prevalence and penetrance estimates, and inheritance mode, an automated score was calculated to assess if this variant is too frequent to cause the disease. Based on the score and internal cut-off values, a variant classified as benign is not then subjected to further curation. The score for this variant resulted in a classification of benign for this disease.

NM_000370.3(TTPA):c.*782C>T

Gene: TTPA (alpha tocopherol transfer protein; minus strand). Cytogenetic location: 8q12.3.
Variant type: single nucleotide variant.
Coding change: c.*782C>T on transcript NM_000370.3 (MANE Select); 782 bases downstream of the stop codon, C replaced by T.
Molecular consequence: 3 prime UTR variant.
Genome position (GRCh38, 1-based): chr8:63,060,470, G>A on the plus strand (C>T on the coding strand, the complement: TTPA is on the minus strand). VCF-style: chr8-63060470-G-A. GRCh37 (hg19) VCF-style: chr8-63973029-G-A.
Identifiers: ClinVar variation 912171 (VCV000912171.4), dbSNP rs114278576, ClinGen allele CA178382154.